The following is an entry in ClinVar:

ClinVar aggregate classification (germline): Uncertain significance. Review status: criteria provided, multiple submitters, no conflicts (2 of 4 stars). 2 submissions from 2 submitters: Uncertain significance (2). Last evaluated 2024-11-26.

Allele frequency attached by ClinVar (database versions not stated): gnomAD 0.00002; 1000 Genomes Project 30x 0.00016; ExAC 0.00007; 1000 Genomes Project 0.00020.
gnomAD v4.1: 24 of 1,614,160 alleles (0.0015%); highest among the groups gnomAD compares: Admixed American, 0.04%; no homozygotes.

Submissions (2):

GeneDx
Classification: Uncertain significance. Last evaluated: 2024-11-26. Review status: criteria provided, single submitter. Criteria: GeneDx Variant Classification Process June 2021. Collection method: clinical testing. Allele origin: germline. Affected: yes.
Comment: In silico analysis indicates that this missense variant does not alter protein structure/function; Has not been previously published as pathogenic or benign to our knowledge

Labcorp Genetics (formerly Invitae), Labcorp
Classification: Uncertain significance. Last evaluated: 2023-12-11. Review status: criteria provided, single submitter. Criteria: Invitae Variant Classification Sherloc (09022015). Collection method: clinical testing. Allele origin: germline.
Comment: This sequence change replaces glycine, which is neutral and non-polar, with valine, which is neutral and non-polar, at codon 53 of the COQ8B protein (p.Gly53Val). This variant is present in population databases (rs201791035, gnomAD 0.06%). This variant has not been reported in the literature in individuals affected with COQ8B-related conditions. ClinVar contains an entry for this variant (Variation ID: 2084305). An algorithm developed to predict the effect of missense changes on protein structure and function (PolyPhen-2) suggests that this variant is likely to be disruptive. In summary, the available evidence is currently insufficient to determine the role of this variant in disease. Therefore, it has been classified as a Variant of Uncertain Significance.

NM_024876.4(COQ8B):c.158G>T (p.Gly53Val)

Gene: COQ8B (coenzyme Q8B; minus strand). Cytogenetic location: 19q13.2.
Variant type: single nucleotide variant.
Coding change: c.158G>T on transcript NM_024876.4 (MANE Select); coding-DNA position 158, G replaced by T.
Protein change: p.Gly53Val; replaces glycine 53 with valine.
Molecular consequence: missense variant.
Genome position (GRCh38, 1-based): chr19:40,714,342, C>A on the plus strand (G>T on the coding strand, the complement: COQ8B is on the minus strand). VCF-style: chr19-40714342-C-A. GRCh37 (hg19) VCF-style: chr19-41220247-C-A.
Other names: c.158G>T, p.Gly53Val (NM_001142555.3); c.158G>T (NM_024876.3); short protein forms G53V.
Identifiers: ClinVar variation 2084305 (VCV002084305.3), dbSNP rs201791035, ClinGen allele CA9450529.